The following is an entry in ClinVar:

NM_139027.6(ADAMTS13):c.2293C>T (p.Arg765Trp)

Gene: ADAMTS13 (ADAM metallopeptidase with thrombospondin type 1 motif 13; plus strand). Cytogenetic location: 9q34.2.
Variant type: single nucleotide variant.
Coding change: c.2293C>T on transcript NM_139027.6 (MANE Select); coding-DNA position 2293, C replaced by T.
Protein change: p.Arg765Trp; replaces arginine 765 with tryptophan.
Molecular consequence: missense variant.
Genome position (GRCh38, 1-based): chr9:133,443,434, C>T. VCF-style: chr9-133443434-C-T. GRCh37 (hg19) VCF-style: chr9-136308555-C-T.
Other names: c.2293C>T, p.Arg765Trp (NM_139025.5); c.2200C>T, p.Arg734Trp (NM_139026.6); short protein forms R734W, R765W.
Identifiers: ClinVar variation 1803283 (VCV001803283.3), dbSNP rs782614158, ClinGen allele CA200934798.

ClinVar aggregate classification (germline): Uncertain significance. Review status: criteria provided, multiple submitters, no conflicts (2 of 4 stars). 2 submissions from 2 submitters: Uncertain significance (2). Last evaluated 2024-11-02.

Conditions:
Upshaw-Schulman syndrome (TTP). Also called: THROMBOTIC THROMBOCYTOPENIC PURPURA, HEREDITARY; Congenital thrombotic thrombocytopenic purpura. Identifiers: Orphanet 93583, MedGen C1268935, MONDO:0010122, OMIM 274150.

Allele frequency attached by ClinVar (database versions not stated): gnomAD 0.00001; gnomAD exomes 0.00001; TOPMed 0.00001; ExAC 0.00006.
gnomAD v4.1: 22 of 1,595,152 alleles (0.0014%); highest among the groups gnomAD compares: Middle Eastern, 0.018%; no homozygotes.

Submissions (2):

Labcorp Genetics (formerly Invitae), Labcorp
Classification: Uncertain significance. Last evaluated: 2024-11-02. Review status: criteria provided, single submitter. Criteria: Invitae Variant Classification Sherloc (09022015). Collection method: clinical testing. Allele origin: germline.
Comment: This sequence change replaces arginine, which is basic and polar, with tryptophan, which is neutral and slightly polar, at codon 765 of the ADAMTS13 protein (p.Arg765Trp). The frequency data for this variant in the population databases is considered unreliable, as metrics indicate poor data quality at this position in the gnomAD database. This missense change has been observed in individual(s) with thrombotic thrombocytopenic purpura (PMID: 28858683). ClinVar contains an entry for this variant (Variation ID: 1803283). Invitae Evidence Modeling of protein sequence and biophysical properties (such as structural, functional, and spatial information, amino acid conservation, physicochemical variation, residue mobility, and thermodynamic stability) indicates that this missense variant is not expected to disrupt ADAMTS13 protein function with a negative predictive value of 80%. In summary, the available evidence is currently insufficient to determine the role of this variant in disease. Therefore, it has been classified as a Variant of Uncertain Significance.

Genetics and Molecular Pathology, SA Pathology
Classification: Uncertain significance for Upshaw-Schulman syndrome. Last evaluated: 2022-07-27. Review status: criteria provided, single submitter. Criteria: ACMG Guidelines, 2015. Collection method: clinical testing. Allele origin: germline. Inheritance: Autosomal recessive inheritance. Affected: yes.

Literature cited by the submitters: PubMed 28858683 (cited by Labcorp Genetics (formerly Invitae), Labcorp).